The following is an entry in ClinVar:

ClinVar aggregate classification (germline): Uncertain significance (1 of 4 stars; one submission).

Conditions:
TTN-related disorder. Also called: TTN-related disorders; TTN-related condition; TTN-related disease.

gnomAD v4.1: 3 of 1,611,806 alleles (0.00019%); highest among the groups gnomAD compares: South Asian, 0.0011%; no homozygotes.

Submission:

PreventionGenetics, part of Exact Sciences
Classification: Uncertain significance for TTN-related condition. Last evaluated: 2026-09-10. Review status: criteria provided, single submitter. Criteria: ACMG Guidelines, 2015. Collection method: clinical testing. Allele origin: germline.
Comment: The TTN c.18837C>G variant is predicted to result in the amino acid substitution p.Ser6279Arg. To our knowledge, this variant has not been reported in the literature. This variant is reported in 0.0033% of alleles in individuals of South Asian descent in gnomAD. At this time, the clinical significance of this variant is uncertain due to the absence of conclusive functional and genetic evidence.

NM_001267550.2(TTN):c.18837C>G (p.Ser6279Arg)

Genes: TTN (titin; minus strand), LOC126806430 (BRD4-independent group 4 enhancer GRCh37_chr2:179593794-179594993; plus strand). Cytogenetic location: 2q31.2.
Variant type: single nucleotide variant.
Coding change: c.18837C>G on transcript NM_001267550.2 (MANE Select); coding-DNA position 18837, C replaced by G.
Protein change: p.Ser6279Arg; replaces serine 6279 with arginine.
Molecular consequence: missense variant. On other transcripts: intron variant (3).
Genome position (GRCh38, 1-based): chr2:178,729,319, G>C on the plus strand (C>G on the coding strand, the complement: TTN is on the minus strand). VCF-style: chr2-178729319-G-C. GRCh37 (hg19) VCF-style: chr2-179594046-G-C.
Other names: c.17886C>G, p.Ser5962Arg (NM_001256850.1); c.15105C>G, p.Ser5035Arg (NM_133378.4); c.13282+8763C>G (NM_003319.4); c.13858+8763C>G (NM_133437.4); c.13657+8763C>G (NM_133432.3); short protein forms S5962R, S5035R, S6279R.
Identifiers: ClinVar variation 4984236 (VCV004984236.1).